The following is an entry in ClinVar:

NM_170606.3(KMT2C):c.5930A>G (p.Gln1977Arg)

Gene: KMT2C (lysine methyltransferase 2C; minus strand). Cytogenetic location: 7q36.1.
Variant type: single nucleotide variant.
Coding change: c.5930A>G on transcript NM_170606.3 (MANE Select); coding-DNA position 5930, A replaced by G.
Protein change: p.Gln1977Arg; replaces glutamine 1977 with arginine.
Molecular consequence: missense variant.
Genome position (GRCh38, 1-based): chr7:152,181,930, T>C on the plus strand (A>G on the coding strand, the complement: KMT2C is on the minus strand). VCF-style: chr7-152181930-T-C. GRCh37 (hg19) VCF-style: chr7-151879015-T-C.
Other names: short protein forms Q1977R.
Identifiers: ClinVar variation 4848999 (VCV004848999.1).

ClinVar aggregate classification (germline): Uncertain significance (1 of 4 stars; one submission).

Submission:

Women's Health and Genetics/Laboratory Corporation of America, LabCorp
Classification: Uncertain significance. Last evaluated: 2026-04-01. Review status: criteria provided, single submitter. Criteria: LabCorp Variant Classification Summary - May 2015. Collection method: clinical testing. Allele origin: germline.
Comment: Variant summary: KMT2C c.5930A>G (p.Gln1977Arg) results in a conservative amino acid change in the encoded protein sequence. Algorithms developed to predict the effect of missense changes on protein structure and function all suggest that this variant is likely to be tolerated. The variant allele was found at a frequency of 8e-06 in 251442 control chromosomes. The available data on variant occurrences in the general population are insufficient to allow any conclusion about variant significance. To our knowledge, no occurrence of c.5930A>G in individuals affected with KMT2C-related conditions and no experimental evidence demonstrating its impact on protein function have been reported. No submitters have cited clinical-significance assessments for this variant to ClinVar. Based on the evidence outlined above, the variant was classified as uncertain significance.